The following is an entry in ClinVar:

NM_000094.4(COL7A1):c.2927G>A (p.Trp976Ter)

Gene: COL7A1 (collagen type VII alpha 1 chain; minus strand). Cytogenetic location: 3p21.31.
Variant type: single nucleotide variant.
Coding change: c.2927G>A on transcript NM_000094.4 (MANE Select); coding-DNA position 2927, G replaced by A.
Protein change: p.Trp976Ter; replaces tryptophan 976 with a stop codon.
Molecular consequence: nonsense.
Genome position (GRCh38, 1-based): chr3:48,587,485, C>T on the plus strand (G>A on the coding strand, the complement: COL7A1 is on the minus strand). VCF-style: chr3-48587485-C-T. GRCh37 (hg19) VCF-style: chr3-48624918-C-T.
Other names: short protein forms W976*.
Identifiers: ClinVar variation 1353778 (VCV001353778.7), dbSNP rs756173722, ClinGen allele CA2380694.

ClinVar aggregate classification (germline): Pathogenic. Review status: criteria provided, multiple submitters, no conflicts (2 of 4 stars). 3 submissions from 3 submitters: Pathogenic (3). Last evaluated 2026-04-07.

Conditions:
Epidermolysis bullosa. Identifiers: MedGen C0014527, MeSH D004820, MONDO:0006541.
Recessive dystrophic epidermolysis bullosa (RDEB). Also called: severe generalized recessive dystrophic epidermolysis bullosa; epidermolysis bullosa dystrophica, autosomal recessive; Hallopeau-Siemens Disease; EPIDERMOLYSIS BULLOSA DYSTROPHICA, GENERALIZED SEVERE, AUTOSOMAL RECESSIVE; Recessive DEB (RDEB); Epidermolysis Bullosa Distrophica Autosomal Recessive (RDEB). Identifiers: Orphanet 79408, Orphanet 79409, MedGen C0079474, MONDO:0009179, OMIM 226600.

Allele frequency attached by ClinVar (database versions not stated): gnomAD exomes below 0.00001; ExAC 0.00001.
gnomAD v4.1: 2 of 1,613,342 alleles (0.00012%); highest among the groups gnomAD compares: South Asian, 0.0022%; no homozygotes.

Submissions (3):

Myriad Genetics, Inc.
Classification: Pathogenic for Recessive dystrophic epidermolysis bullosa. Last evaluated: 2026-04-07. Review status: criteria provided, single submitter. Criteria: Myriad Autosomal Dominant, Autosomal Recessive and X-Linked Classification Criteria (2023). Collection method: clinical testing. Allele origin: unknown.
Comment: NM_000094.3(COL7A1):c.2927G>A(W976*) is expected to be pathogenic in the context of dystrophic epidermolysis bullosa. This variant is predicted to lead to an abnormal or absent protein product due to the creation of a premature termination codon in COL7A1, a gene where loss-of-function variants are known to be pathogenic. Please note: this variant was assessed in the context of healthy population screening.

Labcorp Genetics (formerly Invitae), Labcorp
Classification: Pathogenic. Last evaluated: 2025-10-07. Review status: criteria provided, single submitter. Criteria: Invitae Variant Classification Sherloc (09022015). Collection method: clinical testing. Allele origin: germline.
Comment: This sequence change creates a premature translational stop signal (p.Trp976*) in the COL7A1 gene. It is expected to result in an absent or disrupted protein product. Loss-of-function variants in COL7A1 are known to be pathogenic (PMID: 16971478). This variant is present in population databases (rs756173722, gnomAD 0.003%). This variant has not been reported in the literature in individuals affected with COL7A1-related conditions. ClinVar contains an entry for this variant (Variation ID: 1353778). For these reasons, this variant has been classified as Pathogenic.

Division of Human Genetics, National Health Laboratory Service/University of the Witwatersrand
Classification: Pathogenic for Epidermolysis bullosa. Last evaluated: 2023-07-01. Review status: criteria provided, single submitter. Criteria: ACMG Guidelines, 2015. Collection method: research. Allele origin: germline. Affected: yes.

Literature cited by the submitters: PubMed 16971478 (cited by Labcorp Genetics (formerly Invitae), Labcorp).